The following is an entry in ClinVar:

NM_002529.4(NTRK1):c.604A>G (p.Asn202Asp)

Gene: NTRK1 (neurotrophic receptor tyrosine kinase 1; plus strand). Cytogenetic location: 1q23.1.
Variant type: single nucleotide variant.
Coding change: c.604A>G on transcript NM_002529.4 (MANE Select); coding-DNA position 604, A replaced by G.
Protein change: p.Asn202Asp; replaces asparagine 202 with aspartic acid.
Molecular consequence: missense variant.
Genome position (GRCh38, 1-based): chr1:156,868,534, A>G. VCF-style: chr1-156868534-A-G. GRCh37 (hg19) VCF-style: chr1-156838326-A-G.
Other names: c.514A>G, p.Asn172Asp (NM_001007792.1); c.604A>G, p.Asn202Asp (NM_001012331.2); short protein forms N172D, N202D.
Identifiers: ClinVar variation 456621 (VCV000456621.6), dbSNP rs1553261428, ClinGen allele CA342934248.
Genomic context (GRCh38, chr1:156,868,534, plus strand): 5'-CCCTTGGCCCTCGGGCGTCCTGGGTGGCCAGGTGTGCCCACGCTGAAGGTCCAGGTGCCC[A>G]ATGCCTCGGTGGATGTGGGGGACGACGTGCTGCTGCGGTGCCAGGTGGAGGGGCGGGGCC-3'
Protein context (NP_002520.2, residues 192-212): GVPTLKVQVP[Asn202Asp]ASVDVGDDVL

ClinVar aggregate classification (germline): Uncertain significance (1 of 4 stars; one submission).

Conditions:
Hereditary insensitivity to pain with anhidrosis (CIPA). Also called: NTRK1 Congenital Insensitivity to Pain with Anhidrosis; INSENSITIVITY TO PAIN, CONGENITAL, WITH ANHIDROSIS; hereditary sensory and autonomic neuropathy type 4; FAMILIAL DYSAUTONOMIA, TYPE II; NEUROPATHY, CONGENITAL SENSORY, WITH ANHIDROSIS; HSAN Type IV. Identifiers: Orphanet 642, MedGen C0020074, MONDO:0009746, OMIM 256800.

Allele frequency attached by ClinVar (database versions not stated): gnomAD exomes below 0.00001.
gnomAD v4.1: 1 of 1,559,090 alleles (0.000064%); highest among the groups gnomAD compares: East Asian, 0.0024%; no homozygotes.

Submission:

Labcorp Genetics (formerly Invitae), Labcorp
Classification: Uncertain significance for Hereditary insensitivity to pain with anhidrosis. Last evaluated: 2021-08-31. Review status: criteria provided, single submitter. Criteria: Invitae Variant Classification Sherloc (09022015). Collection method: clinical testing. Allele origin: germline.
Comment: This sequence change replaces asparagine with aspartic acid at codon 202 of the NTRK1 protein (p.Asn202Asp). The asparagine residue is moderately conserved and there is a small physicochemical difference between asparagine and aspartic acid. This variant is not present in population databases (ExAC no frequency). This variant has not been reported in the literature in individuals affected with NTRK1-related conditions. Algorithms developed to predict the effect of missense changes on protein structure and function (SIFT, PolyPhen-2, Align-GVGD) all suggest that this variant is likely to be tolerated. In summary, the available evidence is currently insufficient to determine the role of this variant in disease. Therefore, it has been classified as a Variant of Uncertain Significance.